The following is an entry in ClinVar:

NM_001064.4(TKT):c.630-9T>C

Gene: TKT (transketolase; minus strand). Cytogenetic location: 3p21.1.
Variant type: single nucleotide variant.
Coding change: c.630-9T>C on transcript NM_001064.4 (MANE Select); 9 bases into the intron before coding-DNA position 630, T replaced by C.
Molecular consequence: intron variant.
Genome position (GRCh38, 1-based): chr3:53,233,283, A>G on the plus strand (T>C on the coding strand, the complement: TKT is on the minus strand). VCF-style: chr3-53233283-A-G. GRCh37 (hg19) VCF-style: chr3-53267299-A-G.
Other names: c.630-9T>C (NM_001135055.3); c.654-9T>C (NM_001258028.2).
Identifiers: ClinVar variation 712986 (VCV000712986.5), dbSNP rs367717657, ClinGen allele CA2452803.

ClinVar aggregate classification (germline): Likely benign. Review status: criteria provided, single submitter (1 of 4 stars). 2 submissions from 2 submitters: Likely benign (1). 1 of the submissions does not count toward it. Last evaluated 2018-12-24.

Conditions:
TKT-related disorder. Also called: TKT-related condition.

Allele frequency attached by ClinVar (database versions not stated): ExAC 0.00015; ESP Exome Variant Server 0.00015; gnomAD exomes 0.00019 and 0.00025; 1000 Genomes Project 0.00020; gnomAD 0.00022; TOPMed 0.00031.
gnomAD v4.1: 423 of 1,605,246 alleles (0.026%); highest among the groups gnomAD compares: Admixed American, 0.047%; 1 homozygote.

Submissions (2):

Labcorp Genetics (formerly Invitae), Labcorp
Classification: Likely benign. Last evaluated: 2018-12-24. Review status: criteria provided, single submitter. Criteria: Invitae Variant Classification Sherloc (09022015). Collection method: clinical testing. Allele origin: germline.

PreventionGenetics, part of Exact Sciences
Classification: Likely benign for TKT-related condition. Last evaluated: 2019-04-02. Review status: no assertion criteria provided. Collection method: clinical testing. Allele origin: germline. Not counted in ClinVar's aggregate classification.
Comment: This variant is classified as likely benign based on ACMG/AMP sequence variant interpretation guidelines (Richards et al. 2015 PMID: 25741868, with internal and published modifications).